The following is an entry in ClinVar:

ClinVar aggregate classification (germline): Uncertain significance (1 of 4 stars; one submission).

Conditions:
Arrhythmogenic cardiomyopathy with wooly hair and keratoderma. Also called: Carvajal syndrome; PALMOPLANTAR KERATODERMA WITH LEFT VENTRICULAR CARDIOMYOPATHY AND WOOLLY HAIR; Dilated cardiomyopathy with woolly hair and keratoderma; Arrhythmogenic cardiomyopathy with woolly hair and keratoderma. Identifiers: Orphanet 65282, MedGen C1854063, MONDO:0011581, OMIM 605676.
Arrhythmogenic right ventricular dysplasia 8 (ARVD8). Also called: Arrhythmogenic Right Ventricular Dysplasia/Cardiomyopathy 8; ARRHYTHMOGENIC RIGHT VENTRICULAR DYSPLASIA, FAMILIAL, 8; ARRHYTHMOGENIC RIGHT VENTRICULAR CARDIOMYOPATHY 8. Identifiers: MedGen C1843896, MONDO:0011831, OMIM 607450.

Submission:

Labcorp Genetics (formerly Invitae), Labcorp
Classification: Uncertain significance for Arrhythmogenic cardiomyopathy with wooly hair and keratoderma; Arrhythmogenic right ventricular dysplasia 8. Last evaluated: 2025-07-02. Review status: criteria provided, single submitter. Criteria: Invitae Variant Classification Sherloc (09022015). Collection method: clinical testing. Allele origin: germline.
Comment: This sequence change replaces aspartic acid, which is acidic and polar, with tyrosine, which is neutral and polar, at codon 2766 of the DSP protein (p.Asp2766Tyr). This variant is not present in population databases (gnomAD no frequency). This variant has not been reported in the literature in individuals affected with DSP-related conditions. An algorithm developed to predict the effect of missense changes on protein structure and function (PolyPhen-2) suggests that this variant is likely to be disruptive. In summary, the available evidence is currently insufficient to determine the role of this variant in disease. Therefore, it has been classified as a Variant of Uncertain Significance.

NM_004415.4(DSP):c.8296G>T (p.Asp2766Tyr)

Gene: DSP (desmoplakin; plus strand). Cytogenetic location: 6p24.3.
Variant type: single nucleotide variant.
Coding change: c.8296G>T on transcript NM_004415.4 (MANE Select); coding-DNA position 8296, G replaced by T.
Protein change: p.Asp2766Tyr; replaces aspartic acid 2766 with tyrosine.
Molecular consequence: missense variant.
Genome position (GRCh38, 1-based): chr6:7,585,558, G>T. VCF-style: chr6-7585558-G-T. GRCh37 (hg19) VCF-style: chr6-7585791-G-T.
Other names: c.6499G>T, p.Asp2167Tyr (NM_001008844.3); c.6967G>T, p.Asp2323Tyr (NM_001319034.2); short protein forms D2167Y, D2766Y, D2323Y.
Identifiers: ClinVar variation 4785461 (VCV004785461.1).